The following is an entry in ClinVar:

ClinVar aggregate classification (germline): Likely benign (0 of 4 stars; one submission).

Conditions:
PLXNA2-related disorder. Also called: PLXNA2-related condition.

Allele frequency attached by ClinVar (database versions not stated): gnomAD 0.00001; ExAC 0.00002.
gnomAD v4.1: 16 of 1,613,928 alleles (0.00099%); highest among the groups gnomAD compares: East Asian, 0.013%; no homozygotes.

Submission:

PreventionGenetics, part of Exact Sciences
Classification: Likely benign for PLXNA2-related condition. Last evaluated: 2023-01-30. Review status: no assertion criteria provided. Collection method: clinical testing. Allele origin: germline.
Comment: This variant is classified as likely benign based on ACMG/AMP sequence variant interpretation guidelines (Richards et al. 2015 PMID: 25741868, with internal and published modifications).

NM_025179.4(PLXNA2):c.5301G>A (p.Thr1767=)

Gene: PLXNA2 (plexin A2; minus strand). Cytogenetic location: 1q32.2.
Variant type: single nucleotide variant.
Coding change: c.5301G>A on transcript NM_025179.4 (MANE Select); coding-DNA position 5301, G replaced by A.
Protein change: p.Thr1767=; no amino-acid change (threonine 1767 retained).
Molecular consequence: synonymous variant.
Genome position (GRCh38, 1-based): chr1:208,028,967, C>T on the plus strand (G>A on the coding strand, the complement: PLXNA2 is on the minus strand). VCF-style: chr1-208028967-C-T. GRCh37 (hg19) VCF-style: chr1-208202312-C-T.
Identifiers: ClinVar variation 3057535 (VCV003057535.2), dbSNP rs781351907, ClinGen allele CA1372589.
Genomic context (GRCh38, chr1:208,028,967, plus strand): 5'-GTGCTCTGACGTTGAACAAGAGTCCATGAAGGTCTGGGCCACCACAGAGAGGCAGGCGTC[C>T]GTGATGCTGCCCTTGTGGATGTCAAACACGAACTGGGGGTTCTTAATCACGTTCACCCAG-3'
Protein context (NP_079455.3, residues 1757-1777): FVFDIHKGSI[Thr1767=]DACLSVVAQT